The following is an entry in ClinVar:

ClinVar aggregate classification (germline): Uncertain significance (1 of 4 stars; one submission).

Conditions:
Hereditary spastic paraplegia 7 (SPG7). Also called: SPG7-related neurologic disorder; Autosomal recessive spastic paraplegia type 7; Spastic paraplegia 7; Hereditary spastic paraplegia Paraplegin type; SPASTIC PARAPLEGIA 7, AUTOSOMAL RECESSIVE, WITH OR WITHOUT CEREBELLAR ATAXIA. Identifiers: Orphanet 99013, MedGen C1846564, MONDO:0011803, OMIM 607259.

Allele frequency attached by ClinVar (database versions not stated): gnomAD exomes 0.00001; ExAC 0.00002.
gnomAD v4.1: 13 of 1,613,896 alleles (0.00081%); highest among the groups gnomAD compares: South Asian, 0.0033%; no homozygotes.

Submission:

Labcorp Genetics (formerly Invitae), Labcorp
Classification: Uncertain significance for Hereditary spastic paraplegia 7. Last evaluated: 2024-10-15. Review status: criteria provided, single submitter. Criteria: Invitae Variant Classification Sherloc (09022015). Collection method: clinical testing. Allele origin: germline.
Comment: This sequence change replaces proline, which is neutral and non-polar, with leucine, which is neutral and non-polar, at codon 760 of the SPG7 protein (p.Pro760Leu). This variant is present in population databases (rs759117790, gnomAD 0.004%). This variant has not been reported in the literature in individuals affected with SPG7-related conditions. ClinVar contains an entry for this variant (Variation ID: 2042475). Invitae Evidence Modeling of protein sequence and biophysical properties (such as structural, functional, and spatial information, amino acid conservation, physicochemical variation, residue mobility, and thermodynamic stability) indicates that this missense variant is not expected to disrupt SPG7 protein function with a negative predictive value of 80%. In summary, the available evidence is currently insufficient to determine the role of this variant in disease. Therefore, it has been classified as a Variant of Uncertain Significance.

NM_003119.4(SPG7):c.2279C>T (p.Pro760Leu)

Gene: SPG7 (SPG7 matrix AAA peptidase subunit, paraplegin; plus strand). Cytogenetic location: 16q24.3.
Variant type: single nucleotide variant.
Coding change: c.2279C>T on transcript NM_003119.4 (MANE Select); coding-DNA position 2279, C replaced by T.
Protein change: p.Pro760Leu; replaces proline 760 with leucine.
Molecular consequence: missense variant. On other transcripts: 3 prime UTR variant (1).
Genome position (GRCh38, 1-based): chr16:89,556,984, C>T. VCF-style: chr16-89556984-C-T. GRCh37 (hg19) VCF-style: chr16-89623392-C-T.
Other names: c.*57C>T (NM_001363850.1); short protein forms P760L.
Identifiers: ClinVar variation 2042475 (VCV002042475.4), dbSNP rs759117790, ClinGen allele CA8244643.